The following is an entry in ClinVar:

ClinVar aggregate classification (germline): Likely pathogenic (1 of 4 stars; one submission).

Conditions:
Citrullinemia. Identifiers: Orphanet 187, MedGen C0175683, MONDO:0015991.

Submission:

Labcorp Genetics (formerly Invitae), Labcorp
Classification: Likely pathogenic for Citrullinemia. Last evaluated: 2020-12-13. Review status: criteria provided, single submitter. Criteria: Invitae Variant Classification Sherloc (09022015). Collection method: clinical testing. Allele origin: germline.
Comment: In summary, the currently available evidence indicates that the variant is pathogenic, but additional data are needed to prove that conclusively. Therefore, this variant has been classified as Likely Pathogenic. This variant has not been reported in the literature in individuals with ASS1-related conditions. This variant results in a copy number gain of the genomic region encompassing exon(s) 9 of the ASS1 gene. While the exact position of this variant cannot be determined from the data, sub-genic copy number gains are generally in tandem (PMID: 25640679). This variant is predicted to be out-of-frame, and may result in an absent or disrupted protein product. Loss-of-function variants in ASS1 are known to be pathogenic (PMID: 18473344, 19006241).

Literature cited by the submitters: PubMed 25640679; PubMed 18473344; PubMed 19006241.

NC_000009.11:g.(?_133346862)_(133346912_?)dup

Gene: ASS1 (argininosuccinate synthase 1; plus strand). Cytogenetic location: 9q34.11.
Variant type: Duplication.
Identifiers: ClinVar variation 1345093 (VCV001345093.3).